The following is an entry in ClinVar:

ClinVar aggregate classification (germline): Uncertain significance. Review status: criteria provided, multiple submitters, no conflicts (2 of 4 stars). 2 submissions from 2 submitters: Uncertain significance (2). Last evaluated 2025-09-11.

Conditions:
Arginine:glycine amidinotransferase deficiency (CCDS3). Also called: AGAT deficiency; L-Arginine:Glycine Amidinotransferase Deficiency; Creatine deficiency syndrome due to AGAT deficiency; GATM deficiency; L-Arginine:Glycine Amidinotransferase (AGAT) Deficiency; Cerebral creatine deficiency syndrome 3. Identifiers: Orphanet 35704, MedGen C2675179, MONDO:0012996, OMIM 612718.
Inborn genetic diseases. Identifiers: MedGen C0950123, MeSH D030342.

gnomAD v4.1: 2 of 1,614,106 alleles (0.00012%); highest among the groups gnomAD compares: East Asian, 0.0022%; no homozygotes.

Submissions (2):

Ambry Genetics
Classification: Uncertain significance for Inborn genetic diseases. Last evaluated: 2025-09-11. Review status: criteria provided, single submitter. Criteria: Ambry Variant Classification Scheme 2023. Collection method: clinical testing. Allele origin: germline.

Labcorp Genetics (formerly Invitae), Labcorp
Classification: Uncertain significance for Arginine:glycine amidinotransferase deficiency. Last evaluated: 2024-09-25. Review status: criteria provided, single submitter. Criteria: Invitae Variant Classification Sherloc (09022015). Collection method: clinical testing. Allele origin: germline.
Comment: This sequence change replaces arginine, which is basic and polar, with glutamine, which is neutral and polar, at codon 260 of the GATM protein (p.Arg260Gln). This variant is not present in population databases (gnomAD no frequency). This variant has not been reported in the literature in individuals affected with GATM-related conditions. ClinVar contains an entry for this variant (Variation ID: 1450103). Invitae Evidence Modeling of protein sequence and biophysical properties (such as structural, functional, and spatial information, amino acid conservation, physicochemical variation, residue mobility, and thermodynamic stability) indicates that this missense variant is expected to disrupt GATM protein function with a positive predictive value of 80%. In summary, the available evidence is currently insufficient to determine the role of this variant in disease. Therefore, it has been classified as a Variant of Uncertain Significance.

NM_001482.3(GATM):c.779G>A (p.Arg260Gln)

Gene: GATM (glycine amidinotransferase; minus strand). Cytogenetic location: 15q21.1.
Variant type: single nucleotide variant.
Coding change: c.779G>A on transcript NM_001482.3 (MANE Select); coding-DNA position 779, G replaced by A.
Protein change: p.Arg260Gln; replaces arginine 260 with glutamine.
Molecular consequence: missense variant.
Genome position (GRCh38, 1-based): chr15:45,366,405, C>T on the plus strand (G>A on the coding strand, the complement: GATM is on the minus strand). VCF-style: chr15-45366405-C-T. GRCh37 (hg19) VCF-style: chr15-45658603-C-T.
Other names: c.779G>A (NM_001482.2); c.392G>A, p.Arg131Gln (NM_001321015.2); short protein forms R131Q, R260Q.
Identifiers: ClinVar variation 1450103 (VCV001450103.9), dbSNP rs1364915703, ClinGen allele CA392258733.
Genomic context (GRCh38, chr15:45,366,405, plus strand): 5'-AAATTTCAGAGGCAGCCTGCGTTCACCTGGCTTCTCTGTGCAAAAATATCTCTTCCAGCT[C>T]GAATGAAGTCAGCAGCATCAAAGCATGGCTCAAACTCAGTTGTCACAAATTTTCCCTGAG-3'
Protein context (NP_001473.1, residues 250-270): EPCFDAADFI[Arg260Gln]AGRDIFAQRS